The following is an entry in ClinVar:

ClinVar aggregate classification (germline): Uncertain significance (1 of 4 stars; one submission).

Conditions:
Cardiovascular phenotype. Identifiers: MedGen CN230736.
Hereditary cancer-predisposing syndrome. Also called: Tumor predisposition; Neoplastic Syndromes, Hereditary; Hereditary Cancer Syndrome; Hereditary neoplastic syndrome. Identifiers: Orphanet 140162, MedGen C0027672, MeSH D009386, MONDO:0015356.

Submission:

Ambry Genetics
Classification: Uncertain significance for Cardiovascular phenotype; Hereditary cancer-predisposing syndrome. Last evaluated: 2025-03-03. Review status: criteria provided, single submitter. Criteria: Ambry Variant Classification Scheme 2023. Collection method: clinical testing. Allele origin: germline.
Comment: The c.1898_1903delAGCAGC variant (also known as p.Q633_Q634del) is located in coding exon 16 of the LZTR1 gene. This variant results from an in-frame AGCAGC deletion at nucleotide positions 1898 to 1903. This results in the in-frame deletion of 2 residues (QQ) including codons 633 and 634. This amino acid region is well conserved in available vertebrate species. In addition, this alteration is predicted to be deleterious by in silico analysis (Choi Y et al. PLoS ONE. 2012; 7(10):e46688). Based on the available evidence, the clinical significance of this variant remains unclear.

NM_006767.4(LZTR1):c.1895AGC[1] (p.Gln633_Gln634del)

Gene: LZTR1 (leucine zipper like post translational regulator 1; plus strand). Cytogenetic location: 22q11.21.
Variant type: Microsatellite.
Coding change: c.1895AGC[1] on transcript NM_006767.4 (MANE Select); one copy of the 3-base unit AGC starting at c.1895; the reference has three copies in a row; two copies, 6 bases deleted.
Protein change: p.Gln633_Gln634del.
Molecular consequence: inframe deletion.
Genome position (GRCh38, 1-based): chr22:20,994,982-20,994,987, AGCAGC deleted; deleting any 6 consecutive bases within chr22:20,994,979-20,994,987 gives the same sequence; the position shown is the placement nearest the transcript's 3' end. VCF-style (leftmost placement, unchanged base first): chr22-20994978-AAGCAGC-A. GRCh37 (hg19) VCF-style: chr22-21349267-AAGCAGC-A.
Identifiers: ClinVar variation 3869332 (VCV003869332.1).